The following is an entry in ClinVar:

NM_000334.4(SCN4A):c.2915C>T (p.Pro972Leu)

Genes: GH-LCR (growth hormone locus control region; plus strand), SCN4A (sodium voltage-gated channel alpha subunit 4; minus strand). Cytogenetic location: 17q23.3.
Variant type: single nucleotide variant.
Coding change: c.2915C>T on transcript NM_000334.4 (MANE Select); coding-DNA position 2915, C replaced by T.
Protein change: p.Pro972Leu; replaces proline 972 with leucine.
Molecular consequence: missense variant.
Genome position (GRCh38, 1-based): chr17:63,949,467, G>A on the plus strand (C>T on the coding strand, the complement: SCN4A is on the minus strand). VCF-style: chr17-63949467-G-A. GRCh37 (hg19) VCF-style: chr17-62026827-G-A.
Other names: p.Pro972Leu; short protein forms P972L.
Identifiers: ClinVar variation 3380513 (VCV003380513.1).
Genomic context (GRCh38, chr17:63,949,467, plus strand): 5'-TCCTCAGGCTGCTCCCCCTCGGGGTTCTCCTCTGCCTGCTCCTCAGGGTCCTCCTCGGGG[G>A]GCTTGTAGTCAGCTGTGCTGCAGACGGACGAGTTCCCATCATAGAGAGGCTGCGGCGGCT-3'
Protein context (NP_000325.4, residues 962-982): SSVCSTADYK[Pro972Leu]PEEDPEEQAE

ClinVar aggregate classification (germline): Uncertain significance (1 of 4 stars; one submission).

gnomAD v4.1: 1 of 1,612,104 alleles (0.000062%); highest among the groups gnomAD compares: South Asian, 0.0011%; no homozygotes.

Submission:

Mayo Clinic Laboratories, Mayo Clinic
Classification: Uncertain significance. Last evaluated: 2023-06-28. Review status: criteria provided, single submitter. Criteria: ACMG Guidelines, 2015. Collection method: clinical testing. Allele origin: germline. Observed: 1 variant allele.
Comment: PM2_moderate